The following is an entry in ClinVar:

NM_001080442.3(SLC38A8):c.1107C>T (p.Ser369=)

Gene: SLC38A8 (solute carrier family 38 member 8; minus strand). Cytogenetic location: 16q23.3.
Variant type: single nucleotide variant.
Coding change: c.1107C>T on transcript NM_001080442.3 (MANE Select); coding-DNA position 1107, C replaced by T.
Protein change: p.Ser369=; no amino-acid change (serine 369 retained).
Molecular consequence: synonymous variant.
Genome position (GRCh38, 1-based): chr16:84,016,574, G>A on the plus strand (C>T on the coding strand, the complement: SLC38A8 is on the minus strand). VCF-style: chr16-84016574-G-A. GRCh37 (hg19) VCF-style: chr16-84050179-G-A.
Identifiers: ClinVar variation 735741 (VCV000735741.11), dbSNP rs61742702, ClinGen allele CA8199783.
Genomic context (GRCh38, chr16:84,016,574, plus strand): 5'-CTCACCTGGGAAGATGAAGATGAAGAAGGAACTGATGCCTCCGATGATGCTGACGATCTC[G>A]CTGAGGTCAGGCATAAACAGCGCCATGGCGAGCGTCACGGTGACCCACAGGATGGTCAGC-3'
Protein context (NP_001073911.1, residues 359-379): LAMALFMPDL[Ser369=]EIVSIIGGIS

ClinVar aggregate classification (germline): Likely benign. Review status: criteria provided, multiple submitters, no conflicts (2 of 4 stars). 3 submissions from 3 submitters: Likely benign (2). 1 of the submissions does not count toward it. Last evaluated 2026-02-01.

Conditions:
SLC38A8-related disorder. Also called: SLC38A8-related condition.

Allele frequency attached by ClinVar (database versions not stated): gnomAD 0.00013; TOPMed 0.00024; ExAC 0.00027; gnomAD exomes 0.00027; ESP Exome Variant Server 0.00046.
gnomAD v4.1: 938 of 1,614,078 alleles (0.058%); highest among the groups gnomAD compares: Non-Finnish European, 0.074%; no homozygotes.

Submissions (3):

Labcorp Genetics (formerly Invitae), Labcorp
Classification: Likely benign. Last evaluated: 2026-02-01. Review status: criteria provided, single submitter. Criteria: Invitae Variant Classification Sherloc (09022015). Collection method: clinical testing. Allele origin: germline.

Blueprint Genetics
Classification: Likely benign. Last evaluated: 2024-08-08. Review status: criteria provided, single submitter. Criteria: ACMG Guidelines, 2015. Collection method: clinical testing. Allele origin: germline.

PreventionGenetics, part of Exact Sciences
Classification: Likely benign for SLC38A8-related condition. Last evaluated: 2024-09-11. Review status: no assertion criteria provided. Collection method: clinical testing. Allele origin: germline. Not counted in ClinVar's aggregate classification.
Comment: This variant is classified as likely benign based on ACMG/AMP sequence variant interpretation guidelines (Richards et al. 2015 PMID: 25741868, with internal and published modifications).